The following is an entry in ClinVar:

NM_024306.5(FA2H):c.461G>A (p.Arg154His)

Gene: FA2H (fatty acid 2-hydroxylase; minus strand). Cytogenetic location: 16q23.1.
Variant type: single nucleotide variant.
Coding change: c.461G>A on transcript NM_024306.5 (MANE Select); coding-DNA position 461, G replaced by A.
Protein change: p.Arg154His; replaces arginine 154 with histidine.
Molecular consequence: missense variant.
Genome position (GRCh38, 1-based): chr16:74,727,289, C>T on the plus strand (G>A on the coding strand, the complement: FA2H is on the minus strand). VCF-style: chr16-74727289-C-T. GRCh37 (hg19) VCF-style: chr16-74761187-C-T.
Other names: short protein forms R154H.
Identifiers: ClinVar variation 834838 (VCV000834838.4), dbSNP rs1204169977, ClinGen allele CA396770072.

ClinVar aggregate classification (germline): Conflicting classifications of pathogenicity. Review status: criteria provided, conflicting classifications (1 of 4 stars). 2 submissions from 2 submitters: Likely pathogenic (1); Uncertain significance (1). Last evaluated 2024-06-20.

Conditions:
Hereditary spastic paraplegia 35. Also called: SPASTIC PARAPLEGIA 35, AUTOSOMAL RECESSIVE, WITH OR WITHOUT NEURODEGENERATION; Spastic paraplegia 35; LEUKODYSTROPHY, DYSMYELINATING, AND SPASTIC PARAPARESIS WITH OR WITHOUT DYSTONIA; Spastic paraplegia 35, autosomal recessive. Identifiers: Orphanet 171629, MedGen C3496228, MONDO:0012866, OMIM 612319.
Spastic paraplegia. Identifiers: MedGen C0037772, HP:0001258.

gnomAD v4.1: 5 of 1,614,132 alleles (0.00031%); highest among the groups gnomAD compares: South Asian, 0.0022%; no homozygotes.

Submissions (2):

3billion
Classification: Uncertain significance for Hereditary spastic paraplegia 35. Last evaluated: 2024-06-20. Review status: criteria provided, single submitter. Criteria: ACMG Guidelines, 2015. Collection method: clinical testing. Allele origin: germline. Affected: yes.
Comment: The variant is observed at an extremely low frequency in the gnomAD v4.0.0 dataset (total allele frequency: <0.001%). Predicted Consequence/Location: Missense variant In silico tool predictions suggest damaging effect of the variant on gene or gene product [REVEL: 0.94 (>=0.6, sensitivity 0.68 and specificity 0.92); 3Cnet: 0.60 (>=0.6, sensitivity 0.72 and precision 0.9)]. The same nucleotide change resulting in the same amino acid change has been previously reported to be associated with FA2H related disorder (PMID: 36109173). However, the evidence of pathogenicity is insufficient at this time (ClinVar ID: VCV000834838). A different missense change at the same codon (p.Arg154Cys) has been reported as pathogenic/likely pathogenic with strong evidence (ClinVar ID: VCV000030872 /PMID: 20853438). Therefore, this variant is classified as VUS according to the recommendation of ACMG/AMP guideline.

Labcorp Genetics (formerly Invitae), Labcorp
Classification: Likely pathogenic for Spastic paraplegia. Last evaluated: 2024-05-20. Review status: criteria provided, single submitter. Criteria: Invitae Variant Classification Sherloc (09022015). Collection method: clinical testing. Allele origin: germline.
Comment: This sequence change replaces arginine, which is basic and polar, with histidine, which is basic and polar, at codon 154 of the FA2H protein (p.Arg154His). This variant is present in population databases (no rsID available, gnomAD 0.006%). This missense change has been observed in individuals with hereditary spastic paraplegia (PMID: 36109173; Invitae). ClinVar contains an entry for this variant (Variation ID: 834838). Advanced modeling of protein sequence and biophysical properties (such as structural, functional, and spatial information, amino acid conservation, physicochemical variation, residue mobility, and thermodynamic stability) performed at Invitae indicates that this missense variant is expected to disrupt FA2H protein function with a positive predictive value of 80%. This variant disrupts the p.Arg154 amino acid residue in FA2H. Other variant(s) that disrupt this residue have been determined to be pathogenic (PMID: 20853438, 27217339). This suggests that this residue is clinically significant, and that variants that disrupt this residue are likely to be disease-causing. In summary, the currently available evidence indicates that the variant is pathogenic, but additional data are needed to prove that conclusively. Therefore, this variant has been classified as Likely Pathogenic.

Literature cited by the submitters: PubMed 36109173 (cited by 3billion and Labcorp Genetics (formerly Invitae), Labcorp); PubMed 20853438 (cited by 3billion and Labcorp Genetics (formerly Invitae), Labcorp); PubMed 27217339 (cited by Labcorp Genetics (formerly Invitae), Labcorp).